The following is an entry in ClinVar:

ClinVar aggregate classification (germline): Uncertain significance (1 of 4 stars; one submission).

Submission:

Ambry Genetics
Classification: Uncertain significance. Last evaluated: 2024-04-09. Review status: criteria provided, single submitter. Criteria: Ambry Variant Classification Scheme 2023. Collection method: clinical testing. Allele origin: germline.
Comment: The p.D547Y variant (also known as c.1639G>T), located in coding exon 16 of the PRKDC gene, results from a G to T substitution at nucleotide position 1639. The aspartic acid at codon 547 is replaced by tyrosine, an amino acid with highly dissimilar properties. This amino acid position is conserved. In addition, the in silico prediction for this alteration is inconclusive. Based on the available evidence, the clinical significance of this variant remains unclear.

NM_006904.7(PRKDC):c.1639G>T (p.Asp547Tyr)

Gene: PRKDC (protein kinase, DNA-activated, catalytic subunit; minus strand). Cytogenetic location: 8q11.21.
Variant type: single nucleotide variant.
Coding change: c.1639G>T on transcript NM_006904.7 (MANE Select); coding-DNA position 1639, G replaced by T.
Protein change: p.Asp547Tyr; replaces aspartic acid 547 with tyrosine.
Molecular consequence: missense variant.
Genome position (GRCh38, 1-based): chr8:47,933,157, C>A on the plus strand (G>T on the coding strand, the complement: PRKDC is on the minus strand). VCF-style: chr8-47933157-C-A. GRCh37 (hg19) VCF-style: chr8-48845717-C-A.
Other names: c.1639G>T, p.Asp547Tyr (NM_001081640.2); short protein forms D547Y.
Identifiers: ClinVar variation 3310112 (VCV003310112.1).